The following is an entry in ClinVar:

ClinVar aggregate classification (germline): Uncertain significance (1 of 4 stars; one submission).

Conditions:
Bardet-Biedl syndrome (BBS). Identifiers: Orphanet 110, MedGen C0752166, MONDO:0015229.

Submission:

Labcorp Genetics (formerly Invitae), Labcorp
Classification: Uncertain significance for Bardet-Biedl syndrome. Last evaluated: 2020-03-05. Review status: criteria provided, single submitter. Criteria: Invitae Variant Classification Sherloc (09022015). Collection method: clinical testing. Allele origin: germline.
Comment: This sequence change replaces valine with glycine at codon 213 of the TRIM32 protein (p.Val213Gly). The valine residue is highly conserved and there is a moderate physicochemical difference between valine and glycine. This variant is not present in population databases (ExAC no frequency). This variant has not been reported in the literature in individuals with TRIM32-related conditions. Algorithms developed to predict the effect of missense changes on protein structure and function (SIFT, PolyPhen-2, Align-GVGD) all suggest that this variant is likely to be disruptive, but these predictions have not been confirmed by published functional studies and their clinical significance is uncertain. Algorithms developed to predict the effect of sequence changes on RNA splicing suggest that this variant may create or strengthen a splice site, but this prediction has not been confirmed by published transcriptional studies. In summary, the available evidence is currently insufficient to determine the role of this variant in disease. Therefore, it has been classified as a Variant of Uncertain Significance.

NM_012210.4(TRIM32):c.638T>G (p.Val213Gly)

Genes: ASTN2 (astrotactin 2; minus strand), TRIM32 (tripartite motif containing 32; plus strand). Cytogenetic location: 9q33.1.
Variant type: single nucleotide variant.
Coding change: c.638T>G on transcript NM_012210.4 (MANE Select); coding-DNA position 638, T replaced by G.
Protein change: p.Val213Gly; replaces valine 213 with glycine.
Molecular consequence: missense variant. On other transcripts: intron variant (3).
Genome position (GRCh38, 1-based): chr9:116,698,380, T>G. VCF-style: chr9-116698380-T-G. GRCh37 (hg19) VCF-style: chr9-119460659-T-G.
Other names: c.638T>G, p.Val213Gly (NM_001379048.1, NM_001099679.2, NM_001379049.1 and 1 more transcripts); c.2653+27391A>C (NM_014010.5); c.2794+27391A>C (NM_001365069.1); c.2806+27391A>C (NM_001365068.1); short protein forms V213G.
Identifiers: ClinVar variation 1043503 (VCV001043503.8), dbSNP rs1860990982, ClinGen allele CA374649258.